The following is an entry in ClinVar:

ClinVar aggregate classification (germline): Uncertain significance. Review status: criteria provided, multiple submitters, no conflicts (2 of 4 stars). 2 submissions from 2 submitters: Uncertain significance (2). Last evaluated 2022-07-25.

Conditions:
Compton-North congenital myopathy (CMYO12). Identifiers: Orphanet 210163, MedGen C2675527, MONDO:0012929, OMIM 612540.

Allele frequency attached by ClinVar (database versions not stated): gnomAD exomes below 0.00001 and 0.00002; ExAC 0.00001; TOPMed 0.00001.
gnomAD v4.1: 4 of 1,613,324 alleles (0.00025%); highest among the groups gnomAD compares: East Asian, 0.0089%; no homozygotes.

Submissions (2):

Labcorp Genetics (formerly Invitae), Labcorp
Classification: Uncertain significance for Compton-North congenital myopathy. Last evaluated: 2022-07-25. Review status: criteria provided, single submitter. Criteria: Invitae Variant Classification Sherloc (09022015). Collection method: clinical testing. Allele origin: germline.
Comment: This sequence change replaces proline, which is neutral and non-polar, with serine, which is neutral and polar, at codon 351 of the CNTN1 protein (p.Pro351Ser). This variant is present in population databases (rs769193585, gnomAD 0.02%). This variant has not been reported in the literature in individuals affected with CNTN1-related conditions. ClinVar contains an entry for this variant (Variation ID: 952031). Advanced modeling of protein sequence and biophysical properties (such as structural, functional, and spatial information, amino acid conservation, physicochemical variation, residue mobility, and thermodynamic stability) performed at Invitae indicates that this missense variant is not expected to disrupt CNTN1 protein function. In summary, the available evidence is currently insufficient to determine the role of this variant in disease. Therefore, it has been classified as a Variant of Uncertain Significance.

GeneDx
Classification: Uncertain significance. Last evaluated: 2019-08-29. Review status: criteria provided, single submitter. Criteria: GeneDx Variant Classification Process June 2021. Collection method: clinical testing. Allele origin: germline. Affected: yes.
Comment: In silico analysis, which includes protein predictors and evolutionary conservation, supports that this variant does not alter protein structure/function; Has not been previously published as pathogenic or benign to our knowledge

NM_001843.4(CNTN1):c.1051C>T (p.Pro351Ser)

Gene: CNTN1 (contactin 1; plus strand). Cytogenetic location: 12q12.
Variant type: single nucleotide variant.
Coding change: c.1051C>T on transcript NM_001843.4 (MANE Select); coding-DNA position 1051, C replaced by T.
Protein change: p.Pro351Ser; replaces proline 351 with serine.
Molecular consequence: missense variant.
Genome position (GRCh38, 1-based): chr12:40,936,846, C>T. VCF-style: chr12-40936846-C-T. GRCh37 (hg19) VCF-style: chr12-41330648-C-T.
Other names: c.1051C>T, p.Pro351Ser (NM_001256063.2, NM_001256064.2); c.1018C>T, p.Pro340Ser (NM_175038.2); short protein forms P340S, P351S.
Identifiers: ClinVar variation 952031 (VCV000952031.10), dbSNP rs769193585, ClinGen allele CA6516769.